The following is an entry in ClinVar:

NM_000363.5(TNNI3):c.190G>T (p.Glu64Ter)

Gene: TNNI3 (troponin I3, cardiac type; minus strand). Cytogenetic location: 19q13.42.
Variant type: single nucleotide variant.
Coding change: c.190G>T on transcript NM_000363.5 (MANE Select); coding-DNA position 190, G replaced by T.
Protein change: p.Glu64Ter; replaces glutamic acid 64 with a stop codon.
Molecular consequence: nonsense.
Genome position (GRCh38, 1-based): chr19:55,156,293, C>A on the plus strand (G>T on the coding strand, the complement: TNNI3 is on the minus strand). VCF-style: chr19-55156293-C-A. GRCh37 (hg19) VCF-style: chr19-55667661-C-A.
Other names: c.190G>T (LRG_432t1); short protein forms E64*.
Identifiers: ClinVar variation 525007 (VCV000525007.6), dbSNP rs1245885836, ClinGen allele CA407441911.

ClinVar aggregate classification (germline): Pathogenic (1 of 4 stars; one submission).

Conditions:
Hypertrophic cardiomyopathy. Also called: HYPERTROPHIC MYOCARDIOPATHY. Identifiers: Orphanet 217569, MedGen C0007194, MeSH D002312, MONDO:0005045, HP:0001639.

Submission:

Labcorp Genetics (formerly Invitae), Labcorp
Classification: Pathogenic for Hypertrophic cardiomyopathy. Last evaluated: 2024-04-22. Review status: criteria provided, single submitter. Criteria: Invitae Variant Classification Sherloc (09022015). Collection method: clinical testing. Allele origin: germline.
Comment: This sequence change creates a premature translational stop signal (p.Glu64*) in the TNNI3 gene. It is expected to result in an absent or disrupted protein product. Loss-of-function variants in TNNI3 are known to be pathogenic (PMID: 31568572, 34036930, 35838873). This variant is not present in population databases (gnomAD no frequency). This variant has not been reported in the literature in individuals affected with TNNI3-related conditions. ClinVar contains an entry for this variant (Variation ID: 525007). For these reasons, this variant has been classified as Pathogenic.

Literature cited by the submitters: PubMed 31568572; PubMed 34036930; PubMed 35838873.